The following is an entry in ClinVar:

NM_000718.4(CACNA1B):c.7006G>C (p.Asp2336His)

Gene: CACNA1B (calcium voltage-gated channel subunit alpha1 B; plus strand). Cytogenetic location: 9q34.3.
Variant type: single nucleotide variant.
Coding change: c.7006G>C on transcript NM_000718.4 (MANE Select); coding-DNA position 7006, G replaced by C.
Protein change: p.Asp2336His; replaces aspartic acid 2336 with histidine.
Molecular consequence: missense variant. On other transcripts: 3 prime UTR variant (1).
Genome position (GRCh38, 1-based): chr9:138,121,985, G>C. VCF-style: chr9-138121985-G-C. GRCh37 (hg19) VCF-style: chr9-141016437-G-C.
Other names: c.*105G>C (NM_001243812.2); short protein forms D2336H.
Identifiers: ClinVar variation 1962947 (VCV001962947.5), dbSNP rs1962119443, ClinGen allele CA375825362.
Genomic context (GRCh38, chr9:138,121,985, plus strand): 5'-TGCACCCTGGGACTCAGCTCGGGTGGCCGAGCACGGCACAGCTACCACCACCCTGACCAA[G>C]ACCACTGGTGCTAGCTGCACCGTGACCGCTCAGACGCCTGCATGCAGCAGGCGTGTGTTC-3'
Protein context (NP_000709.1, residues 2326-2339): ARHSYHHPDQ[Asp2336His]HWC

ClinVar aggregate classification (germline): Uncertain significance (1 of 4 stars; one submission).

Submission:

Labcorp Genetics (formerly Invitae), Labcorp
Classification: Uncertain significance. Last evaluated: 2022-07-26. Review status: criteria provided, single submitter. Criteria: Invitae Variant Classification Sherloc (09022015). Collection method: clinical testing. Allele origin: germline.
Comment: This variant is not present in population databases (gnomAD no frequency). This sequence change replaces aspartic acid, which is acidic and polar, with histidine, which is basic and polar, at codon 2336 of the CACNA1B protein (p.Asp2336His). This variant has not been reported in the literature in individuals affected with CACNA1B-related conditions. In summary, the available evidence is currently insufficient to determine the role of this variant in disease. Therefore, it has been classified as a Variant of Uncertain Significance. Algorithms developed to predict the effect of missense changes on protein structure and function are either unavailable or do not agree on the potential impact of this missense change (SIFT: "Deleterious"; PolyPhen-2: "Probably Damaging"; Align-GVGD: "Class C0").